The following is an entry in ClinVar:

ClinVar aggregate classification (germline): Uncertain significance. Review status: criteria provided, multiple submitters, no conflicts (2 of 4 stars). 3 submissions from 3 submitters: Uncertain significance (3). Last evaluated 2026-02-27.

Conditions:
BBS12-related disorder. Also called: BBS12-related condition.
Bardet-Biedl syndrome 12 (BBS12). Identifiers: Orphanet 110, MedGen C1859570, MONDO:0014440, OMIM 615989.
Bardet-Biedl syndrome (BBS). Identifiers: Orphanet 110, MedGen C0752166, MONDO:0015229.

Allele frequency attached by ClinVar (database versions not stated): TOPMed 0.00001.

Submissions (3):

PreventionGenetics, part of Exact Sciences
Classification: Uncertain significance for BBS12-related condition. Last evaluated: 2026-02-27. Review status: criteria provided, single submitter. Criteria: ACMG Guidelines, 2015. Collection method: clinical testing. Allele origin: germline.
Comment: The BBS12 c.277G>A variant is predicted to result in the amino acid substitution p.Gly93Ser. To our knowledge, this variant has not been reported in the literature or in a large population database (gnomAD), indicating this variant is rare. At this time, the clinical significance of this variant is uncertain due to the absence of conclusive functional and genetic evidence.

Fulgent Genetics
Classification: Uncertain significance for Bardet-Biedl syndrome 12. Last evaluated: 2024-04-29. Review status: criteria provided, single submitter. Criteria: ACMG Guidelines, 2015. Collection method: clinical testing. Allele origin: germline.

Labcorp Genetics (formerly Invitae), Labcorp
Classification: Uncertain significance for Bardet-Biedl syndrome. Last evaluated: 2022-07-06. Review status: criteria provided, single submitter. Criteria: Invitae Variant Classification Sherloc (09022015). Collection method: clinical testing. Allele origin: germline.
Comment: This sequence change replaces glycine, which is neutral and non-polar, with serine, which is neutral and polar, at codon 93 of the BBS12 protein (p.Gly93Ser). This variant is not present in population databases (gnomAD no frequency). This variant has not been reported in the literature in individuals affected with BBS12-related conditions. Algorithms developed to predict the effect of missense changes on protein structure and function are either unavailable or do not agree on the potential impact of this missense change (SIFT: "Deleterious"; PolyPhen-2: "Probably Damaging"; Align-GVGD: "Class C0"). Algorithms developed to predict the effect of sequence changes on RNA splicing suggest that this variant may create or strengthen a splice site. In summary, the available evidence is currently insufficient to determine the role of this variant in disease. Therefore, it has been classified as a Variant of Uncertain Significance.

NM_152618.3(BBS12):c.277G>A (p.Gly93Ser)

Gene: BBS12 (Bardet-Biedl syndrome 12; plus strand). Cytogenetic location: 4q27.
Variant type: single nucleotide variant.
Coding change: c.277G>A on transcript NM_152618.3 (MANE Select); coding-DNA position 277, G replaced by A.
Protein change: p.Gly93Ser; replaces glycine 93 with serine.
Molecular consequence: missense variant.
Genome position (GRCh38, 1-based): chr4:122,742,169, G>A. VCF-style: chr4-122742169-G-A. GRCh37 (hg19) VCF-style: chr4-123663324-G-A.
Other names: c.277G>A, p.Gly93Ser (NM_001178007.2); c.277G>A (NM_152618.2); short protein forms G93S.
Identifiers: ClinVar variation 1913911 (VCV001913911.4), dbSNP rs1800884872, ClinGen allele CA358222569.
Genomic context (GRCh38, chr4:122,742,169, plus strand): 5'-GCAGTTCAAGCACAAAACAACACATATAGAACTGGAATCAGTACTCTTTTGTTTCTTGTT[G>A]GTGCTTGGAGCAGTGCAGTTGAAGAATGTCTTCATCTTGGTGTCCCCATTTCCATAATAG-3'
Protein context (NP_689831.2, residues 83-103): TGISTLLFLV[Gly93Ser]AWSSAVEECL